The following is an entry in ClinVar:

ClinVar aggregate classification (germline): Conflicting classifications of pathogenicity. Review status: criteria provided, conflicting classifications (1 of 4 stars). 6 submissions from 6 submitters: Likely pathogenic (5); Uncertain significance (1). Last evaluated 2025-12-26.

Conditions:
Niemann-Pick disease, type C1. Also called: NIEMANN-PICK DISEASE, VARIANT TYPE C1; NEUROVISCERAL STORAGE DISEASE WITH VERTICAL SUPRANUCLEAR OPHTHALMOPLEGIA; NIEMANN-PICK DISEASE WITH CHOLESTEROL ESTERIFICATION BLOCK; NIEMANN-PICK DISEASE WITHOUT SPHINGOMYELINASE DEFICIENCY; NIEMANN-PICK DISEASE, CHRONIC NEURONOPATHIC FORM. Identifiers: Orphanet 646, MedGen C3179455, MONDO:0009757, OMIM 257220.

Allele frequency attached by ClinVar (database versions not stated): gnomAD exomes below 0.00001 and 0.00001; gnomAD 0.00002; TOPMed 0.00002.
gnomAD v4.1: 18 of 1,613,900 alleles (0.0011%); highest among the groups gnomAD compares: African/African-American, 0.004%; no homozygotes.

Submissions (6):

Natera, Inc.
Classification: Likely pathogenic for Niemann-Pick disease type C1. Last evaluated: 2025-12-26. Review status: criteria provided, single submitter. Criteria: Natera Variant Classification Schema (03/2026). Collection method: clinical testing. Allele origin: germline.
Comment: The c.3289G>A variant in NPC1 is a missense variant predicted to cause substitution of aspartic acid to asparagine at amino acid 1097. This variant is rare in the general population with a frequency below the threshold expected for the associated phenotype(s). This variant has been observed in one or more individuals affected with the associated recessive disease, as either homozygous or compound heterozygous with a second variant (PMID: 37480097, 16126423, 26666848, 26771826). Additionally, this variant has been observed to segregate in affected family members (PMID: 26666848). Computational prediction algorithms indicate this variant is likely to affect gene or protein function. Given the available evidence, this variant is classified as Likely Pathogenic.

Women's Health and Genetics/Laboratory Corporation of America, LabCorp
Classification: Likely pathogenic for Niemann-Pick disease, type C1. Last evaluated: 2025-11-06. Review status: criteria provided, single submitter. Criteria: LabCorp Variant Classification Summary - May 2015. Collection method: clinical testing. Allele origin: germline.
Comment: Variant summary: NPC1 c.3289G>A (p.Asp1097Asn) results in a conservative amino acid change in the encoded protein sequence. Algorithms developed to predict the effect of missense changes on protein structure and function are either unavailable or do not agree on the potential impact of this missense change. The variant allele was found at a frequency of 4e-06 in 251428 control chromosomes. c.3289G>A has been observed in individual(s) affected with Niemann-Pick disease, type C1 (Millat_2005, Imrie_2015, De Castro-Oros_2017, Freihuber_2023). These data indicate that the variant is likely to be associated with disease. At least one publication reports experimental evidence evaluating an impact on protein function, however, does not allow convincing conclusions about the variant effect (Erwood_2019). The following publications have been ascertained in the context of this evaluation (PMID: 28222799, 31754021, 37480097, 26666848, 16126423). ClinVar contains an entry for this variant (Variation ID: 597436). Based on the evidence outlined above, the variant was classified as likely pathogenic.

First Genomix Gene Laboratory, Genetic Diagnostics Department
Classification: Likely pathogenic for Niemann-Pick disease, type C1. Last evaluated: 2025-03-14. Review status: criteria provided, single submitter. Criteria: ACMG Guidelines, 2015. Collection method: clinical testing. Allele origin: germline. Inheritance: Autosomal recessive inheritance. Affected: no. Observed: 1 variant allele.

Labcorp Genetics (formerly Invitae), Labcorp
Classification: Uncertain significance for Niemann-Pick disease, type C1. Last evaluated: 2022-02-08. Review status: criteria provided, single submitter. Criteria: Invitae Variant Classification Sherloc (09022015). Collection method: clinical testing. Allele origin: germline.
Comment: This sequence change replaces aspartic acid, which is acidic and polar, with asparagine, which is neutral and polar, at codon 1097 of the NPC1 protein (p.Asp1097Asn). This variant is present in population databases (rs758829443, gnomAD 0.003%). This missense change has been observed in individual(s) with Niemann-Pick type C (PMID: 16126423, 26666848, 28222799). ClinVar contains an entry for this variant (Variation ID: 597436). Algorithms developed to predict the effect of missense changes on protein structure and function are either unavailable or do not agree on the potential impact of this missense change (SIFT: "Deleterious"; PolyPhen-2: "Probably Damaging"; Align-GVGD: "Class C0"). In summary, the available evidence is currently insufficient to determine the role of this variant in disease. Therefore, it has been classified as a Variant of Uncertain Significance.

Greenwood Genetic Center Diagnostic Laboratories, Greenwood Genetic Center
Classification: Likely pathogenic for Niemann-Pick disease, type C1. Last evaluated: 2021-07-29. Review status: criteria provided, single submitter. Criteria: ACMG Guidelines, 2015. Collection method: clinical testing. Allele origin: germline. Affected: yes.
Comment: PM1, PM2, PM3

Eurofins Ntd Llc (ga)
Classification: Likely pathogenic. Last evaluated: 2018-06-06. Review status: criteria provided, single submitter. Criteria: EGL ClinVar v180209 classification definitions. Collection method: clinical testing. Allele origin: germline. Observed: 1 variant allele, 1 heterozygote.

Literature cited by the submitters: PubMed 37480097 (cited by Natera, Inc. and Women's Health and Genetics/Laboratory Corporation of America, LabCorp); PubMed 16126423 (cited by 4 submitters); PubMed 26666848 (cited by 4 submitters); PubMed 26771826 (cited by Natera, Inc.); PubMed 28222799 (cited by 3 submitters); PubMed 31754021 (cited by Women's Health and Genetics/Laboratory Corporation of America, LabCorp).

NM_000271.5(NPC1):c.3289G>A (p.Asp1097Asn)

Gene: NPC1 (NPC intracellular cholesterol transporter 1; minus strand). Cytogenetic location: 18q11.2.
Variant type: single nucleotide variant.
Coding change: c.3289G>A on transcript NM_000271.5 (MANE Select); coding-DNA position 3289, G replaced by A.
Protein change: p.Asp1097Asn; replaces aspartic acid 1097 with asparagine.
Molecular consequence: missense variant.
Genome position (GRCh38, 1-based): chr18:23,535,657, C>T on the plus strand (G>A on the coding strand, the complement: NPC1 is on the minus strand). VCF-style: chr18-23535657-C-T. GRCh37 (hg19) VCF-style: chr18-21115621-C-T.
Other names: c.3289G>A (NM_000271.4); short protein forms D1097N.
Identifiers: ClinVar variation 597436 (VCV000597436.12), dbSNP rs758829443, ClinGen allele CA297079250.
Genomic context (GRCh38, chr18:23,535,657, plus strand): 5'-GGAGGACCATGGTCACCAGAAATATCGCGCCCAGGGACACACCGAGGTTGAAGATAGTGT[C>T]GTCAATGATGGTCAGGTACTGTTCGTAGAAGACATAAAACACACTGGAGGGGAGAGGGGA-3'
Protein context (NP_000262.2, residues 1087-1107): FYEQYLTIID[Asp1097Asn]TIFNLGVSLG